The following is an entry in ClinVar:

ClinVar aggregate classification (germline): Likely benign (1 of 4 stars; one submission).

Allele frequency attached by ClinVar (database versions not stated): gnomAD exomes below 0.00001.
gnomAD v4.1: 1 of 1,613,454 alleles (0.000062%); highest among the groups gnomAD compares: Non-Finnish European, 0.000085%; no homozygotes.

Submission:

GeneDx
Classification: Likely benign. Last evaluated: 2018-01-08. Review status: criteria provided, single submitter. Criteria: GeneDx Variant Classification (06012015). Collection method: clinical testing. Allele origin: germline. Affected: yes.
Comment: This variant is considered likely benign or benign based on one or more of the following criteria: it is a conservative change, it occurs at a poorly conserved position in the protein, it is predicted to be benign by multiple in silico algorithms, and/or has population frequency not consistent with disease.

NM_001377.3(DYNC2H1):c.12672A>T (p.Gly4224=)

Gene: DYNC2H1 (dynein cytoplasmic 2 heavy chain 1; plus strand). Cytogenetic location: 11q22.3.
Variant type: single nucleotide variant.
Coding change: c.12672A>T on transcript NM_001377.3 (MANE Select); coding-DNA position 12672, A replaced by T.
Protein change: p.Gly4224=; no amino-acid change (glycine 4224 retained).
Molecular consequence: synonymous variant.
Genome position (GRCh38, 1-based): chr11:103,468,612, A>T. VCF-style: chr11-103468612-A-T. GRCh37 (hg19) VCF-style: chr11-103339340-A-T.
Other names: c.12693A>T, p.Gly4231= (NM_001080463.2).
Identifiers: ClinVar variation 514768 (VCV000514768.1), dbSNP rs1224616008, ClinGen allele CA476680473.